The following is an entry in ClinVar:

ClinVar aggregate classification (germline): Pathogenic (1 of 4 stars; one submission).

Conditions:
Tuberous sclerosis 2 (TSC2). Identifiers: Orphanet 805, MedGen C1860707, MONDO:0013199, OMIM 613254.

Submission:

Labcorp Genetics (formerly Invitae), Labcorp
Classification: Pathogenic for Tuberous sclerosis 2. Last evaluated: 2023-11-23. Review status: criteria provided, single submitter. Criteria: Invitae Variant Classification Sherloc (09022015). Collection method: clinical testing. Allele origin: germline.
Comment: This sequence change creates a premature translational stop signal (p.Glu1602*) in the TSC2 gene. It is expected to result in an absent or disrupted protein product. Loss-of-function variants in TSC2 are known to be pathogenic (PMID: 10205261, 17304050). This variant is not present in population databases (gnomAD no frequency). This variant has not been reported in the literature in individuals affected with TSC2-related conditions. For these reasons, this variant has been classified as Pathogenic.

Literature cited by the submitters: PubMed 10205261; PubMed 17304050.

NM_000548.5(TSC2):c.4804G>T (p.Glu1602Ter)

Gene: TSC2 (TSC complex subunit 2; plus strand). Cytogenetic location: 16p13.3.
Variant type: single nucleotide variant.
Coding change: c.4804G>T on transcript NM_000548.5 (MANE Select); coding-DNA position 4804, G replaced by T.
Protein change: p.Glu1602Ter; replaces glutamic acid 1602 with a stop codon.
Molecular consequence: nonsense. On other transcripts: non-coding transcript variant (5).
Genome position (GRCh38, 1-based): chr16:2,086,334, G>T. VCF-style: chr16-2086334-G-T. GRCh37 (hg19) VCF-style: chr16-2136335-G-T.
Other names: c.4603G>T, p.Glu1535Ter (NM_001077183.3); c.4735G>T, p.Glu1579Ter (NM_001114382.3); c.4495G>T, p.Glu1499Ter (NM_001318827.2); c.4459G>T, p.Glu1487Ter (NM_001318829.2); c.4072G>T, p.Glu1358Ter (NM_001318831.2); c.4636G>T, p.Glu1546Ter (NM_001318832.2); c.4606G>T, p.Glu1536Ter (NM_001363528.2); c.4672G>T, p.Glu1558Ter (NM_001370404.1); and 26 more; short protein forms E1087*, E1111*, E1131*, E1378*, E1486*, E1499*, E1530*, E1531*.
Identifiers: ClinVar variation 2698197 (VCV002698197.3), dbSNP rs2151575081, ClinGen allele CA394308058.
Genomic context (GRCh38, chr16:2,086,334, plus strand): 5'-ATCGAGCTGAAGGACTGCCAGCCGGACAAGGTGTACCTGGGAGGCCTGGACGTGTGTGGT[G>T]AGGACGGCCAGTTCACCTACTGCTGGCACGATGACATCATGCAAGGTACGGCCTGGCGCC-3'